The following is an entry in ClinVar:

NM_006096.4(NDRG1):c.*653T>C

Gene: NDRG1 (N-myc downstream regulated 1; minus strand). Cytogenetic location: 8q24.22.
Variant type: single nucleotide variant.
Coding change: c.*653T>C on transcript NM_006096.4 (MANE Select); 653 bases downstream of the stop codon, T replaced by C.
Molecular consequence: 3 prime UTR variant.
Genome position (GRCh38, 1-based): chr8:133,238,225, A>G on the plus strand (T>C on the coding strand, the complement: NDRG1 is on the minus strand). VCF-style: chr8-133238225-A-G. GRCh37 (hg19) VCF-style: chr8-134250468-A-G.
Other names: c.*653T>C (NM_001135242.2, NM_001258432.2, NM_001258433.2 and 4 more transcripts).
Identifiers: ClinVar variation 362021 (VCV000362021.5), dbSNP rs147301529, ClinGen allele CA10630358.

ClinVar aggregate classification (germline): Likely benign (1 of 4 stars; one submission).

Conditions:
Charcot-Marie-Tooth disease type 4D. Also called: CHARCOT-MARIE-TOOTH DISEASE, DEMYELINATING, AUTOSOMAL RECESSIVE, TYPE 4D; NEUROPATHY, HEREDITARY MOTOR AND SENSORY, LOM TYPE; Charcot-Marie-Tooth Neuropathy Type 4D; CHARCOT-MARIE-TOOTH DISEASE, DEMYELINATING, TYPE 4D. Identifiers: Orphanet 99950, MedGen C1832334, MONDO:0011085, OMIM 601455.

Allele frequency attached by ClinVar (database versions not stated): gnomAD exomes 0.00220; gnomAD 0.01306 and 0.01388; 1000 Genomes Project 0.01378; TOPMed 0.01450; 1000 Genomes Project 30x 0.01452.
gnomAD v4.1: 2,157 of 232,788 alleles (0.93%); highest among the groups gnomAD compares: African/African-American, 4.5%; 57 homozygotes.

Submission:

Illumina Laboratory Services, Illumina
Classification: Likely benign for Charcot-Marie-Tooth disease type 4D. Last evaluated: 2017-04-27. Review status: criteria provided, single submitter. Criteria: ICSL Variant Classification Criteria 13 December 2019. Collection method: clinical testing. Allele origin: germline.
Comment: This variant was observed as part of a predisposition screen in an ostensibly healthy population. A literature search was performed for the gene, cDNA change, and amino acid change (where applicable). No publications were found based on this search. Allele frequency data from public databases allowed determination this variant is unlikely to cause disease. Therefore, this variant is classified as likely benign.